The following is an entry in ClinVar:

NM_000368.5(TSC1):c.1333+5A>G

Gene: TSC1 (TSC complex subunit 1; minus strand). Cytogenetic location: 9q34.13.
Variant type: single nucleotide variant.
Coding change: c.1333+5A>G on transcript NM_000368.5 (MANE Select); 5 bases into the intron after coding-DNA position 1333, A replaced by G.
Molecular consequence: intron variant.
Genome position (GRCh38, 1-based): chr9:132,907,296, T>C on the plus strand (A>G on the coding strand, the complement: TSC1 is on the minus strand). VCF-style: chr9-132907296-T-C. GRCh37 (hg19) VCF-style: chr9-135782683-T-C.
Other names: c.970+5A>G (NM_001362177.2); c.1180+5A>G (NM_001162427.2); c.1330+5A>G (NM_001162426.2).
Identifiers: ClinVar variation 48765 (VCV000048765.32), dbSNP rs118203515, ClinGen allele CA004661.

ClinVar aggregate classification (germline): Benign/Likely benign. Review status: criteria provided, multiple submitters, no conflicts (2 of 4 stars). 15 submissions from 14 submitters: Benign (5); Likely benign (6). 4 of the submissions do not count toward it. Last evaluated 2026-02-03.

Conditions:
TSC1-related disorder. Also called: TSC1-related condition.
Lymphangiomyomatosis (LAM). Also called: Lymphangioleiomyomatosis; Lymphangioleiomyomatosis, somatic. Identifiers: Orphanet 538, MedGen C0751674, MONDO:0011705, OMIM 606690.
Tuberous sclerosis 1 (TSC1). Identifiers: Orphanet 805, MedGen C1854465, MONDO:0008612, OMIM 191100.
Isolated focal cortical dysplasia type II (FCORD2). Also called: CORTICAL DYSPLASIA OF TAYLOR; Focal cortical dysplasia type II. Identifiers: Orphanet 268994, MedGen C1846385, MONDO:0011818, OMIM 607341, HP:0032051.
Hereditary cancer-predisposing syndrome. Also called: Tumor predisposition; Neoplastic Syndromes, Hereditary; Hereditary neoplastic syndrome; Hereditary Cancer Syndrome. Identifiers: Orphanet 140162, MedGen C0027672, MeSH D009386, MONDO:0015356.
Tuberous sclerosis syndrome (TSC). Also called: Tuberous Sclerosis Complex; Tuberous sclerosis. Identifiers: Orphanet 805, MedGen C0041341, MONDO:0001734.
Hearing impairment. Also called: Impaired Hearing. Identifiers: MedGen C1384666, MONDO:0005365, HP:0000365.

Allele frequency attached by ClinVar (database versions not stated): gnomAD exomes 0.00008 and 0.00029; gnomAD 0.00009; TOPMed 0.00012; ESP Exome Variant Server 0.00023; ExAC 0.00007.
gnomAD v4.1: 419 of 1,613,586 alleles (0.026%); highest among the groups gnomAD compares: Non-Finnish European, 0.035%; no homozygotes.

Submissions (15):

Labcorp Genetics (formerly Invitae), Labcorp
Classification: Benign for Tuberous sclerosis 1. Last evaluated: 2026-02-03. Review status: criteria provided, single submitter. Criteria: Invitae Variant Classification Sherloc (09022015). Collection method: clinical testing. Allele origin: germline.

Myriad Genetics, Inc.
Classification: Benign for Tuberous sclerosis 1. Last evaluated: 2025-04-09. Review status: criteria provided, single submitter. Criteria: Myriad Autosomal Dominant, Autosomal Recessive and X-Linked Classification Criteria (2023). Collection method: clinical testing. Allele origin: unknown.
Comment: This variant is considered benign. This variant is intronic and is not expected to impact mRNA splicing. This variant has been observed at a population frequency that is significantly greater than expected given the associated disease prevalence and penetrance.

Blueprint Genetics
Classification: Likely benign. Last evaluated: 2024-11-11. Review status: criteria provided, single submitter. Criteria: ACMG Guidelines, 2015. Collection method: clinical testing. Allele origin: germline.

Color Diagnostics, LLC DBA Color Health
Classification: Benign for Tuberous sclerosis syndrome. Last evaluated: 2022-09-20. Review status: criteria provided, single submitter. Criteria: ACMG Guidelines, 2015. Collection method: clinical testing. Allele origin: germline.

Genome-Nilou Lab
Classification: Benign for Tuberous sclerosis 1. Last evaluated: 2021-11-07. Review status: criteria provided, single submitter. Criteria: ACMG Guidelines, 2015. Collection method: clinical testing. Allele origin: germline. Affected: no.

Fulgent Genetics
Classification: Likely benign for Tuberous sclerosis 1; Lymphangiomyomatosis; Isolated focal cortical dysplasia type II. Last evaluated: 2021-08-30. Review status: criteria provided, single submitter. Criteria: ACMG Guidelines, 2015. Collection method: clinical testing. Allele origin: unknown.

GeneDx
Classification: Likely benign. Last evaluated: 2021-04-09. Review status: criteria provided, single submitter. Criteria: GeneDx Variant Classification Process June 2021. Collection method: clinical testing. Allele origin: germline. Affected: yes.

Cambridge Genomics Laboratory, East Genomic Laboratory Hub, NHS Genomic Medicine Service
Classification: Likely benign for Hearing impairment. Last evaluated: 2019-12-03. Review status: criteria provided, single submitter. Criteria: ACGS Best Practice Guidelines for Variant Classification in Rare Disease 2020. Collection method: clinical testing. Allele origin: germline. Affected: yes. Observed: 1 variant allele.

Ambry Genetics
Classification: Likely benign for Hereditary cancer-predisposing syndrome. Last evaluated: 2018-11-01. Review status: criteria provided, single submitter. Criteria: Ambry Variant Classification Scheme 2023. Collection method: clinical testing. Allele origin: germline.

Illumina Laboratory Services, Illumina
Classification: Likely benign for Tuberous sclerosis 1. Last evaluated: 2018-01-13. Review status: criteria provided, single submitter. Criteria: ICSL Variant Classification Criteria 13 December 2019. Collection method: clinical testing. Allele origin: germline.
Comment: This variant was observed in the ICSL laboratory as part of a predisposition screen in an ostensibly healthy population. It had not been previously curated by ICSL or reported in the Human Gene Mutation Database (HGMD: prior to June 1st, 2018), and was therefore a candidate for classification through an automated scoring system. Utilizing variant allele frequency, disease prevalence and penetrance estimates, and inheritance mode, an automated score was calculated to assess if this variant is too frequent to cause the disease. Based on the score and internal cut-off values, a variant classified as likely benign is not then subjected to further curation. The score for this variant resulted in a classification of likely benign for this disease.

Illumina Laboratory Services, Illumina
Classification: Benign for Isolated focal cortical dysplasia type II. Last evaluated: 2018-01-13. Review status: criteria provided, single submitter. Criteria: ICSL Variant Classification Criteria 13 December 2019. Collection method: clinical testing. Allele origin: germline.
Comment: This variant was observed in the ICSL laboratory as part of a predisposition screen in an ostensibly healthy population. It had not been previously curated by ICSL or reported in the Human Gene Mutation Database (HGMD: prior to June 1st, 2018), and was therefore a candidate for classification through an automated scoring system. Utilizing variant allele frequency, disease prevalence and penetrance estimates, and inheritance mode, an automated score was calculated to assess if this variant is too frequent to cause the disease. Based on the score and internal cut-off values, a variant classified as benign is not then subjected to further curation. The score for this variant resulted in a classification of benign for this disease.

PreventionGenetics, part of Exact Sciences
Classification: Likely benign for TSC1-related condition. Last evaluated: 2024-01-30. Review status: no assertion criteria provided. Collection method: clinical testing. Allele origin: germline. Not counted in ClinVar's aggregate classification.
Comment: This variant is classified as likely benign based on ACMG/AMP sequence variant interpretation guidelines (Richards et al. 2015 PMID: 25741868, with internal and published modifications).

Clinical Genetics DNA and cytogenetics Diagnostics Lab, Erasmus MC, Erasmus Medical Center
Classification: Benign. Review status: no assertion criteria provided. Collection method: clinical testing. Allele origin: germline. Affected: yes. Study: VKGL Data-share Consensus. Not counted in ClinVar's aggregate classification.

Genome Diagnostics Laboratory, University Medical Center Utrecht
Classification: Likely benign. Review status: no assertion criteria provided. Collection method: clinical testing. Allele origin: germline. Affected: yes. Study: VKGL Data-share Consensus. Not counted in ClinVar's aggregate classification.

Tuberous sclerosis database (TSC1)
No classification provided. Condition: TSC. Review status: no classification provided. Criteria: Tuberous Sclerosis Database Assertion Criteria 2015. Collection method: curation. Allele origin: germline. Affected: yes. Not counted in ClinVar's aggregate classification.